The following is an entry in ClinVar:

NM_022367.4(SEMA4A):c.528C>A (p.Ser176Arg)

Gene: SEMA4A (semaphorin 4A; plus strand). Cytogenetic location: 1q22.
Variant type: single nucleotide variant.
Coding change: c.528C>A on transcript NM_022367.4 (MANE Select); coding-DNA position 528, C replaced by A.
Protein change: p.Ser176Arg; replaces serine 176 with arginine.
Molecular consequence: missense variant.
Genome position (GRCh38, 1-based): chr1:156,158,784, C>A. VCF-style: chr1-156158784-C-A. GRCh37 (hg19) VCF-style: chr1-156128575-C-A.
Other names: c.528C>A, p.Ser176Arg (NM_001193300.2, NM_001193301.2, NM_001370567.1); c.132C>A, p.Ser44Arg (NM_001193302.2); c.231C>A, p.Ser77Arg (NM_001370568.1); c.21C>A, p.Ser7Arg (NM_001370569.1, NM_001370571.1); short protein forms S44R, S7R, S176R, S77R.
Identifiers: ClinVar variation 1047294 (VCV001047294.10), dbSNP rs979159762, ClinGen allele CA31031101.

ClinVar aggregate classification (germline): Uncertain significance (1 of 4 stars; one submission).

Allele frequency attached by ClinVar (database versions not stated): TOPMed below 0.00001; gnomAD 0.00001; gnomAD exomes 0.00002.
gnomAD v4.1: 28 of 1,613,926 alleles (0.0017%); highest among the groups gnomAD compares: Non-Finnish European, 0.0023%; no homozygotes.

Submission:

Labcorp Genetics (formerly Invitae), Labcorp
Classification: Uncertain significance. Last evaluated: 2022-05-28. Review status: criteria provided, single submitter. Criteria: Invitae Variant Classification Sherloc (09022015). Collection method: clinical testing. Allele origin: germline.
Comment: In summary, the available evidence is currently insufficient to determine the role of this variant in disease. Therefore, it has been classified as a Variant of Uncertain Significance. This variant is not present in population databases (gnomAD no frequency). This variant has not been reported in the literature in individuals affected with SEMA4A-related conditions. ClinVar contains an entry for this variant (Variation ID: 1047294). Algorithms developed to predict the effect of missense changes on protein structure and function (SIFT, PolyPhen-2, Align-GVGD) all suggest that this variant is likely to be tolerated. This sequence change replaces serine, which is neutral and polar, with arginine, which is basic and polar, at codon 176 of the SEMA4A protein (p.Ser176Arg).